The following is an entry in ClinVar:

ClinVar aggregate classification (germline): Pathogenic. Review status: criteria provided, multiple submitters, no conflicts (2 of 4 stars). 19 submissions from 19 submitters: Pathogenic (19). Last evaluated 2026-08-05.

Conditions:
CLCN1-related myotonia congenita.
CLCN1-related disorder. Also called: CLCN1-related condition.
Skeletal muscle channelopathy.
Inborn genetic diseases. Identifiers: MedGen C0950123, MeSH D030342.
Congenital myotonia, autosomal recessive form. Also called: BECKER DISEASE; Becker Generalized Myotonia; myotonia congenita, autosomal recessive. Identifiers: Orphanet 614, MedGen C0751360, MONDO:0009715, OMIM 255700.
Congenital myotonia, autosomal dominant form (THD). Also called: THOMSEN DISEASE; Myotonia congenita autosomal dominant. Identifiers: Orphanet 614, MedGen C2936781, MONDO:0008055, OMIM 160800.
Batten-Turner congenital myopathy. Also called: Congenital myotonia; Myotonia congenita. Identifiers: Orphanet 206973, MedGen C0027127, MONDO:0100468, OMIM 255300.

Allele frequency attached by ClinVar (database versions not stated): 1000 Genomes Project 30x 0.00031; ExAC 0.00034; ESP Exome Variant Server 0.00038; gnomAD 0.00038 and 0.00039; 1000 Genomes Project 0.00040; gnomAD exomes 0.00040 and 0.00063; TOPMed 0.00043.
gnomAD v4.1: 974 of 1,613,142 alleles (0.06%); highest among the groups gnomAD compares: Non-Finnish European, 0.076%; 1 homozygote.

Submissions 1 to 8 of 19:

Ambry Genetics
Classification: Pathogenic for Inborn genetic diseases. Last evaluated: 2026-08-05. Review status: criteria provided, single submitter. Criteria: Ambry Variant Classification Scheme 2023. Collection method: clinical testing. Allele origin: germline.
Comment: The c.1453A>G (p.M485V) alteration is located in exon 13 (coding exon 13) of the CLCN1 gene. This alteration results from a A to G substitution at nucleotide position 1453, causing the methionine (M) at amino acid position 485 to be replaced by a valine (V). for autosomal recessive CLCN1-related myotonia congenita ; however, it is unlikely to be causative of autosomal dominant CLCN1-related myotonia congenita. Based on data from gnomAD, the G allele has an overall frequency of 0.039% (110/282884) total alleles studied. The highest observed frequency was 0.065% (84/129188) of European (non-Finnish) alleles. This variant has been identified in the homozygous state and/or in conjunction with other CLCN1 variant(s) in individual(s) with features consistent with CLCN1-related myotonia congenita; in at least one instance, the variants were identified in trans (Meyer-Kleine, 1995; Maz&oacute;n, 2012; Sk&aacute;lov&aacute;, 2013). This amino acid position is highly conserved in available vertebrate species. This alteration is predicted to be deleterious by in silico analysis. Based on the available evidence, this alteration is classified as pathogenic.

Genetics Laboratory, Great Ormond Street Hospital NHS Foundation Trust, North Thames Genomic Laboratory Hub
Classification: Pathogenic for Skeletal muscle channelopathy. Last evaluated: 2026-07-12. Review status: criteria provided, single submitter. Criteria: ACGS Best Practice Guidelines for Variant Classification in Rare Disease 2024 v1.2. Collection method: clinical testing. Allele origin: germline. Affected: yes.
Comment: PP3_supporting, PS3_strong, PM1_moderate, PM3_very-strong

OLLIN Analises Genomicas, OLLIN
Classification: Pathogenic for Congenital myotonia, autosomal recessive form. Last evaluated: 2026-02-13. Review status: criteria provided, single submitter. Criteria: ACMG Guidelines 2015 PMID 25741868. Collection method: clinical testing. Allele origin: germline. Observed: 1 variant allele.
Comment: PS3_P, PS4, PM3_VS, PP1, PP3_M

Labcorp Genetics (formerly Invitae), Labcorp
Classification: Pathogenic for Congenital myotonia, autosomal recessive form; Congenital myotonia, autosomal dominant form. Last evaluated: 2026-02-01. Review status: criteria provided, single submitter. Criteria: Invitae Variant Classification Sherloc (09022015). Collection method: clinical testing. Allele origin: germline.
Comment: This sequence change replaces methionine, which is neutral and non-polar, with valine, which is neutral and non-polar, at codon 485 of the CLCN1 protein (p.Met485Val). This variant is present in population databases (rs146457619, gnomAD 0.06%). This missense change has been observed in individual(s) with autosomal recessive myotonia congenita (PMID: 8533761, 9736777, 17932099, 18337100, 22094069, 24037712, 24349310). In at least one individual the data is consistent with being in trans (on the opposite chromosome) from a pathogenic variant. It has also been observed to segregate with disease in related individuals. ClinVar contains an entry for this variant (Variation ID: 280101). Invitae Evidence Modeling of protein sequence and biophysical properties (such as structural, functional, and spatial information, amino acid conservation, physicochemical variation, residue mobility, and thermodynamic stability) has been performed for this missense variant. However, the output from this modeling did not meet the statistical confidence thresholds required to predict the impact of this variant on CLCN1 protein function. Experimental studies have shown that this missense change affects CLCN1 function (PMID: 9158157). For these reasons, this variant has been classified as Pathogenic.

Mayo Clinic Laboratories, Mayo Clinic
Classification: Pathogenic. Last evaluated: 2025-12-12. Review status: criteria provided, single submitter. Criteria: ACMG Guidelines, 2015. Collection method: clinical testing. Allele origin: germline. Observed: 4 variant alleles.
Comment: PP1, PP3_moderate, PM2_supporting, PM3_strong, PS3, PS4

Dasa
Classification: Pathogenic. Last evaluated: 2025-11-03. Review status: criteria provided, single submitter. Criteria: DASA Assertion Criteria. Collection method: clinical testing. Allele origin: germline.
Comment: NM_000083.3(CLCN1):c.1453A>G (p.Met485Val) is a missense variant that results in the substitution of methionine with valine. The affected residue or protein region has prior evidence supporting clinical relevance. This variant has been observed in affected individuals with related phenotype in a genotype context consistent with recessive disease (PMID: 8533761; PMID: 24920213; PMID: 31544778; PMID: 22094069; PMID: 9158157). Functional evidence supports a deleterious effect on the gene or gene product (PMID: 8533761; PMID: 24920213; PMID: 31544778; PMID: 22094069; PMID: 9158157). This variant has been recurrently observed in individuals with related phenotype (PMID: 8533761; PMID: 24920213; PMID: 31544778; PMID: 22094069; PMID: 9158157). Multiple computational predictions support a deleterious effect on the gene or gene product. The variant is present at low frequency in population datasets. Based on the available data, this variant is classified as pathogenic.

Variantyx, Inc.
Classification: Pathogenic for Congenital myotonia, autosomal recessive form. Last evaluated: 2025-10-08. Review status: criteria provided, single submitter. Criteria: Variantyx Assertion Criteria 2022. Collection method: clinical testing. Allele origin: germline. Inheritance: Autosomal recessive inheritance. Affected: no.
Comment: This is a nonsynonymous variant in the CLCN1 gene (OMIM: 118425). Pathogenic variants in this gene have been associated with autosomal recessive myotonia congenita. This variant has been identified in the homozygous or compound heterozygous state in many individuals reported in the published literature (PMID: 33464536, 9736777, 24037712, 24349310, 22094069) (PM3_Strong) and has been observed to segregate with disease in at least 2 individuals from 1 family (PMID: 8533761) (PP1). An alternate amino acid change at this position (p.Met485Lys) has been previously reported in similarly affected individuals, which suggests that this residue is biologically important (PMID: 34529042) (PM5). Functional studies have shown that this variant alters CLCN1 protein function (PMID: 9158157, 9736777) (PS3), and multiple computational algorithms predict a deleterious effect for this variant (REVEL score: 0.774) (PP3). This variant has a 0.0756% maximum allele frequency in non-founder control populations (PM2). Based on the current evidence, this variant is classified as pathogenic for autosomal recessive myotonia congenita.

Rady Children's Institute for Genomic Medicine, Rady Children's Hospital San Diego
Classification: Pathogenic for CLCN1-related myotonia congenita. Last evaluated: 2025-09-05. Review status: criteria provided, single submitter. Criteria: ACMG Guidelines, 2015. Collection method: clinical testing. Allele origin: germline. Affected: yes.
Comment: This variant has been previously reported as a compound heterozygous and homozygous change in patients with myotonia (PMID: 8533761, 34529042, 18337100, 22094069, 24349310, 24920213). The c.1453A>G (p.Met485Val) variant is located in the transmembrane domain D10, which is a known hotspot domain for pathogenic variations associated with myotonia (PMID: 9158157). A different amino acid change at the same residue (p.Met485Lys) has been previously reported in individuals with myotonia (PMID: 34529042). The c.1453A>G (p.Met485Val) variant affects a highly conserved amino acid and is predicted by multiple in silico tools to have a deleterious effect on protein function. Functional studies indicate this variant may lead to reduced channel conductance (PMID: 9158157). The c.1453A>G (p.Met485Val) variant is present in the latest version of the gnomAD population database at an allele frequency of 0.06% (974/1613142), including 1 homozygous individual. Based on the available evidence, c.1453A>G (p.Met485Val) is classified as Pathogenic.

NM_000083.3(CLCN1):c.1453A>G (p.Met485Val)

Gene: CLCN1 (chloride voltage-gated channel 1; plus strand). Cytogenetic location: 7q34.
Variant type: single nucleotide variant.
Coding change: c.1453A>G on transcript NM_000083.3 (MANE Select); coding-DNA position 1453, A replaced by G.
Protein change: p.Met485Val; replaces methionine 485 with valine.
Molecular consequence: missense variant. On other transcripts: non-coding transcript variant (1).
Genome position (GRCh38, 1-based): chr7:143,339,304, A>G. VCF-style: chr7-143339304-A-G. GRCh37 (hg19) VCF-style: chr7-143036397-A-G.
Other names: short protein forms M485V.
Identifiers: ClinVar variation 280101 (VCV000280101.73), dbSNP rs146457619, ClinGen allele CA4537377.